The following is an entry in ClinVar:

NM_002180.3(IGHMBP2):c.2816A>G (p.His939Arg)

Gene: IGHMBP2 (immunoglobulin mu DNA binding protein 2; plus strand). Cytogenetic location: 11q13.3.
Variant type: single nucleotide variant.
Coding change: c.2816A>G on transcript NM_002180.3 (MANE Select); coding-DNA position 2816, A replaced by G.
Protein change: p.His939Arg; replaces histidine 939 with arginine.
Molecular consequence: missense variant.
Genome position (GRCh38, 1-based): chr11:68,939,565, A>G. VCF-style: chr11-68939565-A-G. GRCh37 (hg19) VCF-style: chr11-68707033-A-G.
Other names: short protein forms H939R.
Identifiers: ClinVar variation 1011295 (VCV001011295.9), dbSNP rs751847212, ClinGen allele CA223415869.

ClinVar aggregate classification (germline): Uncertain significance (1 of 4 stars; one submission).

Conditions:
Charcot-Marie-Tooth disease axonal type 2S. Also called: CHARCOT-MARIE-TOOTH NEUROPATHY, TYPE 2S; CHARCOT-MARIE-TOOTH DISEASE, AXONAL, AUTOSOMAL RECESSIVE, TYPE 2S. Identifiers: Orphanet 443073, MedGen C4015349, MONDO:0014511, OMIM 616155.
Autosomal recessive distal spinal muscular atrophy 1. Also called: SEVERE INFANTILE AXONAL NEUROPATHY WITH RESPIRATORY FAILURE; SPINAL MUSCULAR ATROPHY, DIAPHRAGMATIC; NEURONOPATHY, DISTAL HEREDITARY MOTOR, HARDING TYPE VI; NEUROPATHY, DISTAL HEREDITARY MOTOR, AUTOSOMAL RECESSIVE 1; Spinal muscular atrophy with respiratory distress 1; HMN VI. Identifiers: Orphanet 98920, MedGen C1858517, MONDO:0011436, OMIM 604320.

Allele frequency attached by ClinVar (database versions not stated): gnomAD exomes below 0.00001.
gnomAD v4.1: 1 of 1,612,664 alleles (0.000062%); highest among the groups gnomAD compares: Non-Finnish European, 0.000085%; no homozygotes.

Submission:

Labcorp Genetics (formerly Invitae), Labcorp
Classification: Uncertain significance for Autosomal recessive distal spinal muscular atrophy 1; Charcot-Marie-Tooth disease axonal type 2S. Last evaluated: 2020-08-26. Review status: criteria provided, single submitter. Criteria: Invitae Variant Classification Sherloc (09022015). Collection method: clinical testing. Allele origin: germline.
Comment: This sequence change replaces histidine with arginine at codon 939 of the IGHMBP2 protein (p.His939Arg). The histidine residue is moderately conserved and there is a small physicochemical difference between histidine and arginine. This variant is not present in population databases (ExAC no frequency). This variant has not been reported in the literature in individuals with IGHMBP2-related conditions. Advanced modeling of protein sequence and biophysical properties (such as structural, functional, and spatial information, amino acid conservation, physicochemical variation, residue mobility, and thermodynamic stability) performed at Invitae indicates that this missense variant is not expected to disrupt IGHMBP2 protein function. In summary, the available evidence is currently insufficient to determine the role of this variant in disease. Therefore, it has been classified as a Variant of Uncertain Significance.